The following is an entry in ClinVar:

NM_002539.3(ODC1):c.1297del (p.Asp433fs)

Gene: ODC1 (ornithine decarboxylase 1; minus strand). Cytogenetic location: 2p25.1.
Variant type: Deletion.
Coding change: c.1297del on transcript NM_002539.3 (MANE Select); coding-DNA position 1297, one base deleted (G; older notation c.1297delG).
Protein change: p.Asp433fs; shifts the reading frame from aspartic acid 433.
Molecular consequence: frameshift variant.
Genome position (GRCh38, 1-based): chr2:10,440,813, C deleted on the plus strand (G on the coding strand, the reverse complement: ODC1 is on the minus strand); the first of 2 consecutive C bases (chr2:10,440,813-10,440,814); deleting either gives the same sequence. VCF-style (leftmost placement, unchanged base first): chr2-10440812-TC-T. GRCh37 (hg19) VCF-style: chr2-10580938-TC-T.
Other names: c.910del, p.Asp304fs (NM_001287188.2); c.1297del, p.Asp433fs (NM_001287189.2, NM_001287190.2); short protein forms D304fs, D433fs.
Identifiers: ClinVar variation 4856371 (VCV004856371.1).

ClinVar aggregate classification (germline): Likely pathogenic (1 of 4 stars; one submission).

Conditions:
Neurodevelopmental disorder with alopecia and brain abnormalities. Also called: Bachmann-Bupp syndrome; Global developmental delay-alopecia-macrocephaly-facial dysmorphism-structural brain anomalies syndrome. Identifiers: Orphanet 544488, MedGen C5436741, MONDO:0033642, OMIM 619075.

Submission:

3billion
Classification: Likely pathogenic for Neurodevelopmental disorder with alopecia and brain abnormalities. Last evaluated: 2025-12-11. Review status: criteria provided, single submitter. Criteria: ACMG Guidelines, 2015. Collection method: clinical testing. Allele origin: germline. Affected: yes.
Comment: The variant is not observed in the gnomAD v4.1.0 dataset. Predicted Consequence/Location: Frameshift: predicted to result in a loss or disruption of normal protein function through protein truncation. Multiple pathogenic variants are reported in the predicted truncated region and a dominant negative effect has been reported near truncated region. Therefore, this variant is classified as Likely pathogenic according to the recommendation of ACMG/AMP guideline.